The following is an entry in ClinVar:

NM_001972.4(ELANE):c.228C>G (p.Asn76Lys)

Gene: ELANE (elastase, neutrophil expressed; plus strand). Cytogenetic location: 19p13.3.
Variant type: single nucleotide variant.
Coding change: c.228C>G on transcript NM_001972.4 (MANE Select); coding-DNA position 228, C replaced by G.
Protein change: p.Asn76Lys; replaces asparagine 76 with lysine.
Molecular consequence: missense variant.
Genome position (GRCh38, 1-based): chr19:853,265, C>G. VCF-style: chr19-853265-C-G. GRCh37 (hg19) VCF-style: chr19-853265-C-G.
Other names: short protein forms N76K.
Identifiers: ClinVar variation 1694268 (VCV001694268.6), dbSNP rs746799175, ClinGen allele CA9025978.
Genomic context (GRCh38, chr19:853,265, plus strand): 5'-CGGCTGAGCCCCGACCCCCGGGGCCGCCCCTGAGCCCCGCCTCTCCCTCCCCGGCAGAAA[C>G]GTCCGCGCGGTGCGGGTGGTCCTGGGAGCCCATAACCTCTCGCGGCGGGAGCCCACCCGG-3'
Protein context (NP_001963.1, residues 66-86): MSAAHCVANV[Asn76Lys]VRAVRVVLGA

ClinVar aggregate classification (germline): Uncertain significance. Review status: criteria provided, multiple submitters, no conflicts (2 of 4 stars). 3 submissions from 3 submitters: Uncertain significance (3). Last evaluated 2025-10-12.

Conditions:
Autoinflammatory syndrome. Identifiers: Orphanet 93665, MedGen C3890737, MONDO:0019751.
Cyclical neutropenia. Also called: Cyclic Neutropenia; Cyclic hematopoiesis. Identifiers: Orphanet 2686, MedGen C0221023, MONDO:0008090, OMIM 162800, HP:0040289. Disease mechanism: loss of function.
Neutropenia, severe congenital, 1, autosomal dominant. Identifiers: MedGen C1859966, MONDO:0042490, OMIM 202700.
ELANE-related disorder. Also called: ELANE-related condition.

gnomAD v4.1: 8 of 1,599,704 alleles (0.0005%); highest among the groups gnomAD compares: South Asian, 0.0011%; no homozygotes.

Submissions (3):

Labcorp Genetics (formerly Invitae), Labcorp
Classification: Uncertain significance for Neutropenia, severe congenital, 1, autosomal dominant; Cyclical neutropenia. Last evaluated: 2025-10-12. Review status: criteria provided, single submitter. Criteria: Invitae Variant Classification Sherloc (09022015). Collection method: clinical testing. Allele origin: germline.
Comment: This sequence change replaces asparagine, which is neutral and polar, with lysine, which is basic and polar, at codon 76 of the ELANE protein (p.Asn76Lys). This variant is not present in population databases (gnomAD no frequency). This variant has not been reported in the literature in individuals affected with ELANE-related conditions. ClinVar contains an entry for this variant (Variation ID: 1694268). Invitae Evidence Modeling of protein sequence and biophysical properties (such as structural, functional, and spatial information, amino acid conservation, physicochemical variation, residue mobility, and thermodynamic stability) has been performed for this missense variant. However, the output from this modeling did not meet the statistical confidence thresholds required to predict the impact of this variant on ELANE protein function. In summary, the available evidence is currently insufficient to determine the role of this variant in disease. Therefore, it has been classified as a Variant of Uncertain Significance.

PreventionGenetics, part of Exact Sciences
Classification: Uncertain significance for ELANE-related condition. Last evaluated: 2022-08-26. Review status: criteria provided, single submitter. Criteria: ACMG Guidelines, 2015. Collection method: clinical testing. Allele origin: germline.
Comment: The ELANE c.228C>G variant is predicted to result in the amino acid substitution p.Asn76Lys. To our knowledge, this variant has not been reported in the literature or in a large population database, indicating this variant is rare. At this time, the clinical significance of this variant is uncertain due to the absence of conclusive functional and genetic evidence.

Genome Diagnostics Laboratory, The Hospital for Sick Children
Classification: Uncertain significance for Autoinflammatory syndrome. Last evaluated: 2019-04-01. Review status: criteria provided, single submitter. Criteria: ACMG Guidelines, 2015. Collection method: clinical testing. Allele origin: germline. Affected: yes.